The following is an entry in ClinVar:

NM_004519.4(KCNQ3):c.328_329del (p.Leu110fs)

Gene: KCNQ3 (potassium voltage-gated channel subfamily Q member 3; minus strand). Cytogenetic location: 8q24.22.
Variant type: Deletion.
Coding change: c.328_329del on transcript NM_004519.4 (MANE Select); coding-DNA positions 328 to 329, 2 bases deleted (TT; older notation c.328_329delTT).
Protein change: p.Leu110fs; shifts the reading frame from leucine 110.
Molecular consequence: frameshift variant.
Genome position (GRCh38, 1-based): chr8:132,480,204-132,480,205, AA deleted on the plus strand (TT on the coding strand, the reverse complement: KCNQ3 is on the minus strand); deleting any 2 consecutive bases within chr8:132,480,204-132,480,206 gives the same sequence; the c. name uses the placement nearest the transcript's 3' end. VCF-style (leftmost placement, unchanged base first): chr8-132480203-CAA-C. GRCh37 (hg19) VCF-style: chr8-133492450-CAA-C.
Other names: short protein forms L110fs.
Identifiers: ClinVar variation 3235793 (VCV003235793.6), dbSNP rs2537398102, ClinGen allele CA645541378.

ClinVar aggregate classification (germline): Conflicting classifications of pathogenicity. Review status: criteria provided, conflicting classifications (1 of 4 stars). 2 submissions from 2 submitters: Pathogenic (1); Uncertain significance (1). Last evaluated 2024-03-14.

Conditions:
KCNQ3-associated disorder.

Submissions (2):

Greenwood Genetic Center Diagnostic Laboratories, Greenwood Genetic Center
Classification: Uncertain significance. Last evaluated: 2024-03-14. Review status: criteria provided, single submitter. Criteria: ACMG Guidelines, 2015. Collection method: clinical testing. Allele origin: germline. Affected: yes.
Comment: PM2

Institute of Human Genetics Munich, TUM University Hospital
Classification: Pathogenic for KCNQ3-associated disorder. Last evaluated: 2024-01-18. Review status: criteria provided, single submitter. Criteria: Classification criteria August 2017. Collection method: clinical testing. Allele origin: inherited. Inheritance: Autosomal recessive inheritance. Affected: yes. Observed: 1 variant allele.